The following is an entry in ClinVar:

ClinVar aggregate classification (germline): Uncertain significance (1 of 4 stars; one submission).

Submission:

Labcorp Genetics (formerly Invitae), Labcorp
Classification: Uncertain significance. Last evaluated: 2022-05-31. Review status: criteria provided, single submitter. Criteria: Invitae Variant Classification Sherloc (09022015). Collection method: clinical testing. Allele origin: germline.
Comment: This sequence change replaces aspartic acid, which is acidic and polar, with tyrosine, which is neutral and polar, at codon 316 of the PNPLA8 protein (p.Asp316Tyr). This variant is not present in population databases (gnomAD no frequency). This variant has not been reported in the literature in individuals affected with PNPLA8-related conditions. Algorithms developed to predict the effect of missense changes on protein structure and function are either unavailable or do not agree on the potential impact of this missense change (SIFT: "Deleterious"; PolyPhen-2: "Benign"; Align-GVGD: "Class C15"). In summary, the available evidence is currently insufficient to determine the role of this variant in disease. Therefore, it has been classified as a Variant of Uncertain Significance.

NM_001256007.3(PNPLA8):c.946G>T (p.Asp316Tyr)

Gene: PNPLA8 (patatin like domain 8, phospholipase A2; minus strand). Cytogenetic location: 7q31.1.
Variant type: single nucleotide variant.
Coding change: c.946G>T on transcript NM_001256007.3 (MANE Select); coding-DNA position 946, G replaced by T.
Protein change: p.Asp316Tyr; replaces aspartic acid 316 with tyrosine.
Molecular consequence: missense variant.
Genome position (GRCh38, 1-based): chr7:108,514,546, C>A on the plus strand (G>T on the coding strand, the complement: PNPLA8 is on the minus strand). VCF-style: chr7-108514546-C-A. GRCh37 (hg19) VCF-style: chr7-108154990-C-A.
Other names: c.946G>T, p.Asp316Tyr (NM_001256008.3, NM_001256009.3, NM_015723.5); c.646G>T, p.Asp216Tyr (NM_001256010.3, NM_001256011.3); short protein forms D216Y, D316Y.
Identifiers: ClinVar variation 1993336 (VCV001993336.4), dbSNP rs1238769447, ClinGen allele CA368897731.